The following is an entry in ClinVar:

ClinVar aggregate classification (germline): Uncertain significance (1 of 4 stars; one submission).

Conditions:
Cardiovascular phenotype. Identifiers: MedGen CN230736.

Submission:

Ambry Genetics
Classification: Uncertain significance for Cardiovascular phenotype. Last evaluated: 2021-08-02. Review status: criteria provided, single submitter. Criteria: Ambry Variant Classification Scheme 2023. Collection method: clinical testing. Allele origin: germline.
Comment: The p.L94M variant (also known as c.280C>A), located in coding exon 3 of the TPM1 gene, results from a C to A substitution at nucleotide position 280. The leucine at codon 94 is replaced by methionine, an amino acid with highly similar properties. This amino acid position is conserved. In addition, this alteration is predicted to be deleterious by in silico analysis. Since supporting evidence is limited at this time, the clinical significance of this alteration remains unclear.

NM_001018005.2(TPM1):c.280C>A (p.Leu94Met)

Gene: TPM1 (tropomyosin 1; plus strand). Cytogenetic location: 15q22.2.
Variant type: single nucleotide variant.
Coding change: c.280C>A on transcript NM_001018005.2 (MANE Select); coding-DNA position 280, C replaced by A.
Protein change: p.Leu94Met; replaces leucine 94 with methionine.
Molecular consequence: missense variant.
Genome position (GRCh38, 1-based): chr15:63,057,024, C>A. VCF-style: chr15-63057024-C-A. GRCh37 (hg19) VCF-style: chr15-63349223-C-A.
Other names: c.280C>A, p.Leu94Met (NM_000366.6, NM_001018004.2, NM_001018006.2 and 20 more transcripts); c.172C>A, p.Leu58Met (NM_001018008.2, NM_001301289.2, NM_001330344.2 and 9 more transcripts); c.406C>A, p.Leu136Met (NM_001365778.1, NM_001407322.1, NM_001407323.1 and 1 more transcripts); short protein forms L58M, L136M, L94M.
Identifiers: ClinVar variation 1796307 (VCV001796307.2), dbSNP rs1596360910, ClinGen allele CA392720751.